The following is an entry in ClinVar:

NM_006514.4(SCN10A):c.1535G>A (p.Arg512Gln)

Gene: SCN10A (sodium voltage-gated channel alpha subunit 10; minus strand). Cytogenetic location: 3p22.2.
Variant type: single nucleotide variant.
Coding change: c.1535G>A on transcript NM_006514.4 (MANE Select); coding-DNA position 1535, G replaced by A.
Protein change: p.Arg512Gln; replaces arginine 512 with glutamine.
Molecular consequence: missense variant. On other transcripts: intron variant (1).
Genome position (GRCh38, 1-based): chr3:38,752,439, C>T on the plus strand (G>A on the coding strand, the complement: SCN10A is on the minus strand). VCF-style: chr3-38752439-C-T. GRCh37 (hg19) VCF-style: chr3-38793930-C-T.
Other names: c.1535G>A, p.Arg512Gln (NM_001293306.2); c.1462-2255G>A (NM_001293307.2); short protein forms R512Q.
Identifiers: ClinVar variation 846890 (VCV000846890.9), dbSNP rs200889952, ClinGen allele CA2320812.

ClinVar aggregate classification (germline): Conflicting classifications of pathogenicity. Review status: criteria provided, conflicting classifications (1 of 4 stars). 3 submissions from 3 submitters: Uncertain significance (1); Likely benign (2). Last evaluated 2025-04-28.

Conditions:
Cardiovascular phenotype. Identifiers: MedGen CN230736.
Brugada syndrome. Also called: Sudden unexpected nocturnal death syndrome; Sudden Unexplained Death Syndrome; Sudden Unexplained Nocturnal Death Syndrome (SUNDS); Sudden unexplained nocturnal death syndrome. Identifiers: Orphanet 130, MedGen C1142166, MONDO:0015263.

Allele frequency attached by ClinVar (database versions not stated): gnomAD exomes 0.00005 and 0.00006; ExAC 0.00006; ESP Exome Variant Server 0.00008; gnomAD 0.00010 and 0.00012; TOPMed 0.00013; 1000 Genomes Project 30x 0.00016; 1000 Genomes Project 0.00020.
gnomAD v4.1: 111 of 1,612,982 alleles (0.0069%); highest among the groups gnomAD compares: Middle Eastern, 0.15%; no homozygotes.

Submissions (3):

Labcorp Genetics (formerly Invitae), Labcorp
Classification: Uncertain significance for Brugada syndrome. Last evaluated: 2025-04-28. Review status: criteria provided, single submitter. Criteria: Invitae Variant Classification Sherloc (09022015). Collection method: clinical testing. Allele origin: germline.
Comment: This sequence change replaces arginine, which is basic and polar, with glutamine, which is neutral and polar, at codon 512 of the SCN10A protein (p.Arg512Gln). This variant is present in population databases (rs200889952, gnomAD 0.05%). This variant has not been reported in the literature in individuals affected with SCN10A-related conditions. ClinVar contains an entry for this variant (Variation ID: 846890). Invitae Evidence Modeling of protein sequence and biophysical properties (such as structural, functional, and spatial information, amino acid conservation, physicochemical variation, residue mobility, and thermodynamic stability) indicates that this missense variant is not expected to disrupt SCN10A protein function with a negative predictive value of 80%. In summary, the available evidence is currently insufficient to determine the role of this variant in disease. Therefore, it has been classified as a Variant of Uncertain Significance.

Blueprint Genetics
Classification: Likely benign. Last evaluated: 2024-09-23. Review status: criteria provided, single submitter. Criteria: ACMG Guidelines, 2015. Collection method: clinical testing. Allele origin: germline.

Ambry Genetics
Classification: Likely benign for Cardiovascular phenotype. Last evaluated: 2019-11-14. Review status: criteria provided, single submitter. Criteria: Ambry Variant Classification Scheme 2023. Collection method: clinical testing. Allele origin: germline.